The following is an entry in ClinVar:

ClinVar aggregate classification (germline): Uncertain significance (1 of 4 stars; one submission).

Conditions:
Neuropathy, hereditary sensory and autonomic, type 2A (HSAN2A). Also called: HSAN IIA; WNK1-Related HSAN2 (HSAN2A); ACROOSTEOLYSIS, GIACCAI TYPE; ACROOSTEOLYSIS, NEUROGENIC; MORVAN DISEASE; NEUROPATHY, CONGENITAL SENSORY. Identifiers: MedGen C2752089, MONDO:0024309, OMIM 201300, Orphanet 970.
Generalized epilepsy with febrile seizures plus, type 7 (GEFSP7). Also called: GEFS+, TYPE 7. Identifiers: Orphanet 36387, MedGen C2751778, MONDO:0013470, OMIM 613863.

Allele frequency attached by ClinVar (database versions not stated): TOPMed 0.00001.
gnomAD v4.1: 2 of 1,614,098 alleles (0.00012%); highest among the groups gnomAD compares: African/African-American, 0.0027%; no homozygotes.

Submission:

Labcorp Genetics (formerly Invitae), Labcorp
Classification: Uncertain significance for Neuropathy, hereditary sensory and autonomic, type 2A; Generalized epilepsy with febrile seizures plus, type 7. Last evaluated: 2024-10-31. Review status: criteria provided, single submitter. Criteria: Invitae Variant Classification Sherloc (09022015). Collection method: clinical testing. Allele origin: germline.
Comment: This sequence change replaces serine, which is neutral and polar, with isoleucine, which is neutral and non-polar, at codon 1764 of the SCN9A protein (p.Ser1764Ile). This variant is present in population databases (no rsID available, gnomAD 0.02%). This variant has not been reported in the literature in individuals affected with SCN9A-related conditions. ClinVar contains an entry for this variant (Variation ID: 1990837). Invitae Evidence Modeling of protein sequence and biophysical properties (such as structural, functional, and spatial information, amino acid conservation, physicochemical variation, residue mobility, and thermodynamic stability) has been performed for this missense variant. However, the output from this modeling did not meet the statistical confidence thresholds required to predict the impact of this variant on SCN9A protein function. In summary, the available evidence is currently insufficient to determine the role of this variant in disease. Therefore, it has been classified as a Variant of Uncertain Significance.

NM_001365536.1(SCN9A):c.5324G>T (p.Ser1775Ile)

Genes: SCN1A-AS1 (SCN1A and SCN9A antisense RNA 1; plus strand), SCN9A (sodium voltage-gated channel alpha subunit 9; minus strand). Cytogenetic location: 2q24.3.
Variant type: single nucleotide variant.
Coding change: c.5324G>T on transcript NM_001365536.1 (MANE Select); coding-DNA position 5324, G replaced by T.
Protein change: p.Ser1775Ile; replaces serine 1775 with isoleucine.
Molecular consequence: missense variant.
Genome position (GRCh38, 1-based): chr2:166,199,315, C>A on the plus strand (G>T on the coding strand, the complement: SCN9A is on the minus strand). VCF-style: chr2-166199315-C-A. GRCh37 (hg19) VCF-style: chr2-167055825-C-A.
Other names: c.5291G>T, p.Ser1764Ile (NM_002977.4); short protein forms S1764I, S1775I.
Identifiers: ClinVar variation 1990837 (VCV001990837.4), dbSNP rs1255143930, ClinGen allele CA349053578.